The following is an entry in ClinVar:

NM_004006.3(DMD):c.9350A>T (p.Lys3117Met)

Gene: DMD (dystrophin; minus strand). Cytogenetic location: Xp21.2.
Variant type: single nucleotide variant.
Coding change: c.9350A>T on transcript NM_004006.3 (MANE Select); coding-DNA position 9350, A replaced by T.
Protein change: p.Lys3117Met; replaces lysine 3117 with methionine.
Molecular consequence: missense variant.
Genome position (GRCh38, 1-based): chrX:31,223,058, T>A on the plus strand (A>T on the coding strand, the complement: DMD is on the minus strand). VCF-style: chrX-31223058-T-A. GRCh37 (hg19) VCF-style: chrX-31241175-T-A.
Other names: c.9326A>T, p.Lys3109Met (NM_000109.4); c.9338A>T, p.Lys3113Met (NM_004009.3); c.8981A>T, p.Lys2994Met (NM_004010.3); c.5327A>T, p.Lys1776Met (NM_004011.4); c.5318A>T, p.Lys1773Met (NM_004012.4); c.1970A>T, p.Lys657Met (NM_004013.3, NM_004020.4, NM_004021.3 and 2 more transcripts); c.1163A>T, p.Lys388Met (NM_004014.3); c.146A>T, p.Lys49Met (NM_004015.3, NM_004016.3, NM_004017.3 and 2 more transcripts); short protein forms K3117M, K388M, K2994M, K657M, K1773M, K1776M, K3109M, K3113M.
Identifiers: ClinVar variation 3840488 (VCV003840488.1).

ClinVar aggregate classification (germline): Uncertain significance (1 of 4 stars; one submission).

Conditions:
Cardiovascular phenotype. Identifiers: MedGen CN230736.

gnomAD v4.1: 2 of 1,209,674 alleles (0.00017%); highest among the groups gnomAD compares: Non-Finnish European, 0.00022%; no homozygotes.

Submission:

Ambry Genetics
Classification: Uncertain significance for Cardiovascular phenotype. Last evaluated: 2025-03-07. Review status: criteria provided, single submitter. Criteria: Ambry Variant Classification Scheme 2023. Collection method: clinical testing. Allele origin: germline.
Comment: The p.K3117M variant (also known as c.9350A>T), located in coding exon 64 of the DMD gene, results from an A to T substitution at nucleotide position 9350. The lysine at codon 3117 is replaced by methionine, an amino acid with similar properties. This amino acid position is highly conserved in available vertebrate species. In addition, this alteration is predicted to be deleterious by in silico analysis. Based on the available evidence, the clinical significance of this variant remains unclear.